The following is an entry in ClinVar:

ClinVar aggregate classification (germline): Pathogenic (1 of 4 stars; one submission).

Submission:

Labcorp Genetics (formerly Invitae), Labcorp
Classification: Pathogenic. Last evaluated: 2022-02-08. Review status: criteria provided, single submitter. Criteria: Invitae Variant Classification Sherloc (09022015). Collection method: clinical testing. Allele origin: germline.
Comment: For these reasons, this variant has been classified as Pathogenic. This variant has not been reported in the literature in individuals affected with CPLANE1-related conditions. This variant is not present in population databases (gnomAD no frequency). This sequence change creates a premature translational stop signal (p.Arg2467Glyfs*18) in the CPLANE1 gene. It is expected to result in an absent or disrupted protein product. Loss-of-function variants in CPLANE1 are known to be pathogenic (PMID: 24178751, 26092869).

Literature cited by the submitters: PubMed 24178751; PubMed 26092869.

NM_001384732.1(CPLANE1):c.7399del (p.Arg2467fs)

Gene: CPLANE1 (ciliogenesis and planar polarity effector complex subunit 1; minus strand). Cytogenetic location: 5p13.2.
Variant type: Deletion.
Coding change: c.7399del on transcript NM_001384732.1 (MANE Select); coding-DNA position 7399, one base deleted (A; older notation c.7399delA).
Protein change: p.Arg2467fs; shifts the reading frame from arginine 2467.
Molecular consequence: frameshift variant.
Genome position (GRCh38, 1-based): chr5:37,167,048, T deleted on the plus strand (A on the coding strand, the reverse complement: CPLANE1 is on the minus strand); the first of 7 consecutive T bases (chr5:37,167,048-37,167,054); deleting any one gives the same sequence. VCF-style (leftmost placement, unchanged base first): chr5-37167047-CT-C. GRCh37 (hg19) VCF-style: chr5-37167149-CT-C.
Other names: c.7399del, p.Arg2467fs (NM_023073.4); short protein forms R2467fs.
Identifiers: ClinVar variation 1452683 (VCV001452683.6), dbSNP rs779025515, ClinGen allele CA645550333.
Genomic context (GRCh38, chr5:37,167,047, plus strand): 5'-AAATAATAATGAACTTGCTGATATATGATATTATCAAATAAAATTTCACTTAAGCCTTGC[CT>C]TTTTTTACTGTCCTTTCCTTGTCTTACTTCAGGTGGTTCTATTTTGACCTTTAGAAGTTG-3'